The following is an entry in ClinVar:

NM_006031.6(PCNT):c.2940G>T (p.Gln980His)

Gene: PCNT (pericentrin; plus strand). Cytogenetic location: 21q22.3.
Variant type: single nucleotide variant.
Coding change: c.2940G>T on transcript NM_006031.6 (MANE Select); coding-DNA position 2940, G replaced by T.
Protein change: p.Gln980His; replaces glutamine 980 with histidine.
Molecular consequence: missense variant.
Genome position (GRCh38, 1-based): chr21:46,366,914, G>T. VCF-style: chr21-46366914-G-T. GRCh37 (hg19) VCF-style: chr21-47786829-G-T.
Other names: c.2586G>T, p.Gln862His (NM_001315529.2); short protein forms Q980H, Q862H.
Identifiers: ClinVar variation 4985058 (VCV004985058.1).

ClinVar aggregate classification (germline): Uncertain significance (1 of 4 stars; one submission).

Conditions:
PCNT-related disorder. Also called: PCNT-related condition.

gnomAD v4.1: 13 of 1,614,140 alleles (0.00081%); highest among the groups gnomAD compares: Admixed American, 0.022%; no homozygotes.

Submission:

PreventionGenetics, part of Exact Sciences
Classification: Uncertain significance for PCNT-related condition. Last evaluated: 2026-06-15. Review status: criteria provided, single submitter. Criteria: ACMG Guidelines, 2015. Collection method: clinical testing. Allele origin: germline.
Comment: The PCNT c.2940G>T variant is predicted to result in the amino acid substitution p.Gln980His. To our knowledge, this variant has not been reported in the literature. This variant is reported in 0.0087% of alleles in individuals of Latino descent in gnomAD. At this time, the clinical significance of this variant is uncertain due to the absence of conclusive functional and genetic evidence.